The following is an entry in ClinVar:

ClinVar aggregate classification (germline): Likely benign (1 of 4 stars; one submission).

Allele frequency attached by ClinVar (database versions not stated): gnomAD 0.01992 and 0.02133; TOPMed 0.02337; 1000 Genomes Project 30x 0.04029; 1000 Genomes Project 0.04253.
gnomAD v4.1: 3,325 of 152,114 alleles (2.2%); highest among the groups gnomAD compares: East Asian, 8.3%; 69 homozygotes.

Submission:

GeneDx
Classification: Likely benign. Last evaluated: 2018-06-19. Review status: criteria provided, single submitter. Criteria: GeneDx Variant Classification (06012015). Collection method: clinical testing. Allele origin: germline. Affected: yes.
Comment: This variant is considered likely benign or benign based on one or more of the following criteria: it is a conservative change, it occurs at a poorly conserved position in the protein, it is predicted to be benign by multiple in silico algorithms, and/or has population frequency not consistent with disease.

NM_000138.5(FBN1):c.5671+188C>T

Gene: FBN1 (fibrillin 1; minus strand). Cytogenetic location: 15q21.1.
Variant type: single nucleotide variant.
Coding change: c.5671+188C>T on transcript NM_000138.5 (MANE Select); 188 bases into the intron after coding-DNA position 5671, C replaced by T.
Molecular consequence: intron variant.
Genome position (GRCh38, 1-based): chr15:48,448,580, G>A on the plus strand (C>T on the coding strand, the complement: FBN1 is on the minus strand). VCF-style: chr15-48448580-G-A. GRCh37 (hg19) VCF-style: chr15-48740777-G-A.
Identifiers: ClinVar variation 674507 (VCV000674507.1), dbSNP rs12591586, ClinGen allele CA269534890.